The following is an entry in ClinVar:

ClinVar aggregate classification (germline): Uncertain significance. Review status: criteria provided, multiple submitters, no conflicts (2 of 4 stars). 2 submissions from 2 submitters: Uncertain significance (2). Last evaluated 2026-01-19.

Submissions (2):

Labcorp Genetics (formerly Invitae), Labcorp
Classification: Uncertain significance. Last evaluated: 2026-01-19. Review status: criteria provided, single submitter. Criteria: Invitae Variant Classification Sherloc (09022015). Collection method: clinical testing. Allele origin: germline.
Comment: This sequence change replaces valine, which is neutral and non-polar, with isoleucine, which is neutral and non-polar, at codon 383 of the FUK protein (p.Val383Ile). This variant is present in population databases (rs376461962, gnomAD 0.01%). This variant has not been reported in the literature in individuals affected with FUK-related conditions. ClinVar contains an entry for this variant (Variation ID: 3278427). An algorithm developed to predict the effect of missense changes on protein structure and function (PolyPhen-2) suggests that this variant is likely to be disruptive. In summary, the available evidence is currently insufficient to determine the role of this variant in disease. Therefore, it has been classified as a Variant of Uncertain Significance.

Ambry Genetics
Classification: Uncertain significance. Last evaluated: 2024-05-24. Review status: criteria provided, single submitter. Criteria: Ambry Variant Classification Scheme 2023. Collection method: clinical testing. Allele origin: germline.

NM_145059.3(FCSK):c.1147G>A (p.Val383Ile)

Gene: FCSK (fucose kinase; plus strand). Cytogenetic location: 16q22.1.
Variant type: single nucleotide variant.
Coding change: c.1147G>A on transcript NM_145059.3 (MANE Select); coding-DNA position 1147, G replaced by A.
Protein change: p.Val383Ile; replaces valine 383 with isoleucine.
Molecular consequence: missense variant.
Genome position (GRCh38, 1-based): chr16:70,471,049, G>A. VCF-style: chr16-70471049-G-A. GRCh37 (hg19) VCF-style: chr16-70504952-G-A.
Other names: short protein forms V383I.
Identifiers: ClinVar variation 3278427 (VCV003278427.2).
Genomic context (GRCh38, chr16:70,471,049, plus strand): 5'-GCCGGGAGCTCTGTGGTCAGCTGCCTGCTGGAGGGCCCTGTCCAGCTGGGTCCTGGGAGC[G>A]TCCTGCAGCACTGCCACCTGCAGGTGAGGCCTGAGCGTGTGGGCAGATTGGGGCGAGGGT-3'
Protein context (NP_659496.2, residues 373-393): EGPVQLGPGS[Val383Ile]LQHCHLQGPI